The following is an entry in ClinVar:

NM_006059.4(LAMC3):c.71C>T (p.Ala24Val)

Gene: LAMC3 (laminin subunit gamma 3; plus strand). Cytogenetic location: 9q34.12.
Variant type: single nucleotide variant.
Coding change: c.71C>T on transcript NM_006059.4 (MANE Select); coding-DNA position 71, C replaced by T.
Protein change: p.Ala24Val; replaces alanine 24 with valine.
Molecular consequence: missense variant.
Genome position (GRCh38, 1-based): chr9:131,009,285, C>T. VCF-style: chr9-131009285-C-T. GRCh37 (hg19) VCF-style: chr9-133884672-C-T.
Other names: c.71C>T (NM_006059.3); short protein forms A24V.
Identifiers: ClinVar variation 2144542 (VCV002144542.6), dbSNP rs1261237688, ClinGen allele CA375250310.
Genomic context (GRCh38, chr9:131,009,285, plus strand): 5'-CTGCGCTTCTGCTGGGGCTGGCGCTGCTGGCACCGCGGGCGGCCGGCGCGGGCATGGGCG[C>T]GTGCTATGACGGCGCAGGGCGCCCGCAGCGCTGCCTGCCGGTGTTCGAGAACGCGGCGTT-3'
Protein context (NP_006050.3, residues 14-34): APRAAGAGMG[Ala24Val]CYDGAGRPQR

ClinVar aggregate classification (germline): Uncertain significance. Review status: criteria provided, multiple submitters, no conflicts (2 of 4 stars). 2 submissions from 2 submitters: Uncertain significance (2). Last evaluated 2025-12-08.

Conditions:
Inborn genetic diseases. Identifiers: MedGen C0950123, MeSH D030342.

Allele frequency attached by ClinVar (database versions not stated): TOPMed 0.00001; gnomAD 0.00002; gnomAD exomes 0.00002.
gnomAD v4.1: 24 of 1,395,086 alleles (0.0017%); highest among the groups gnomAD compares: Admixed American, 0.0033%; no homozygotes.

Submissions (2):

Ambry Genetics
Classification: Uncertain significance for Inborn genetic diseases. Last evaluated: 2025-12-08. Review status: criteria provided, single submitter. Criteria: Ambry Variant Classification Scheme 2023. Collection method: clinical testing. Allele origin: germline.

Labcorp Genetics (formerly Invitae), Labcorp
Classification: Uncertain significance. Last evaluated: 2023-11-27. Review status: criteria provided, single submitter. Criteria: Invitae Variant Classification Sherloc (09022015). Collection method: clinical testing. Allele origin: germline.
Comment: This sequence change replaces alanine, which is neutral and non-polar, with valine, which is neutral and non-polar, at codon 24 of the LAMC3 protein (p.Ala24Val). This variant is present in population databases (no rsID available, gnomAD 0.01%). This variant has not been reported in the literature in individuals affected with LAMC3-related conditions. ClinVar contains an entry for this variant (Variation ID: 2144542). Experimental studies and prediction algorithms are not available or were not evaluated, and the functional significance of this variant is currently unknown. In summary, the available evidence is currently insufficient to determine the role of this variant in disease. Therefore, it has been classified as a Variant of Uncertain Significance.